The following is an entry in ClinVar:

ClinVar aggregate classification (germline): Uncertain significance. Review status: criteria provided, multiple submitters, no conflicts (2 of 4 stars). 2 submissions from 2 submitters: Uncertain significance (2). Last evaluated 2024-07-11.

Conditions:
Developmental and epileptic encephalopathy, 2 (DEE2). Also called: INFANTILE SPASM SYNDROME, X-LINKED 2; CDKL5 deficiency disorder. Identifiers: Orphanet 1934, Orphanet 3451, Orphanet 505652, MedGen C4750718, MONDO:0010396, OMIM 300672.
CDKL5 disorder. Identifiers: MedGen CN296942, MONDO:0100039.

Submissions (2):

Centre for Population Genomics, CPG
Classification: Uncertain significance for CDKL5 disorder. Last evaluated: 2024-07-11. Review status: criteria provided, single submitter. Criteria: McKnight et al. (Hum Mutat. 2022). Collection method: curation. Allele origin: germline. Inheritance: X-linked inheritance.
Comment: This variant has been collected from RettBASE and curated to current modified ACMG/AMP criteria. Based on the classification scheme defined by the ClinGen Rett/Angelman-like Expert Panel for Rett/AS-like Disorders Specifications to the ACMG/AMP Variant Interpretation Guidelines VCEP 3.0, this variant is classified as a variant of uncertain significance. At least the following criteria are met: This variant is absent from gnomAD v4 (PM2_Supporting).

3billion
Classification: Uncertain significance for Developmental and epileptic encephalopathy, 2. Last evaluated: 2023-09-22. Review status: criteria provided, single submitter. Criteria: ACMG Guidelines, 2015. Collection method: clinical testing. Allele origin: germline. Affected: yes.
Comment: The variant is not observed in the gnomAD v2.1.1 dataset. Predicted Consequence/Location: The variant is located in a mutational hot spot and/or well-established functional domain in which established pathogenic variants have been reported. In silico tool predictions suggest damaging effect of the variant on gene or gene product [REVEL: 0.69 (>=0.6, sensitivity 0.68 and specificity 0.92); 3Cnet: 0.98 (>=0.6, sensitivity 0.72 and precision 0.9)]. Therefore, this variant is classified as VUS according to the recommendation of ACMG/AMP guideline.

NM_001323289.2(CDKL5):c.536C>T (p.Ser179Phe)

Gene: CDKL5 (cyclin dependent kinase like 5; plus strand). Cytogenetic location: Xp22.13.
Variant type: single nucleotide variant.
Coding change: c.536C>T on transcript NM_001323289.2 (MANE Select); coding-DNA position 536, C replaced by T.
Protein change: p.Ser179Phe; replaces serine 179 with phenylalanine.
Molecular consequence: missense variant.
Genome position (GRCh38, 1-based): chrX:18,584,335, C>T. VCF-style: chrX-18584335-C-T. GRCh37 (hg19) VCF-style: chrX-18602455-C-T.
Other names: NM_003159.3:c.536C>T; c.536C>T, p.Ser179Phe (NM_001037343.2, NM_003159.3); short protein forms S179F.
Identifiers: ClinVar variation 3344011 (VCV003344011.2).